The following is an entry in ClinVar:

NM_015634.4(KIFBP):c.368G>A (p.Arg123Gln)

Gene: KIFBP (kinesin family binding protein; plus strand). Cytogenetic location: 10q22.1.
Variant type: single nucleotide variant.
Coding change: c.368G>A on transcript NM_015634.4 (MANE Select); coding-DNA position 368, G replaced by A.
Protein change: p.Arg123Gln; replaces arginine 123 with glutamine.
Molecular consequence: missense variant.
Genome position (GRCh38, 1-based): chr10:68,989,200, G>A. VCF-style: chr10-68989200-G-A. GRCh37 (hg19) VCF-style: chr10-70748956-G-A.
Other names: short protein forms R123Q.
Identifiers: ClinVar variation 3250414 (VCV003250414.1), dbSNP rs2492297996.

ClinVar aggregate classification (germline): Uncertain significance (1 of 4 stars; one submission).

Conditions:
Goldberg-Shprintzen syndrome. Identifiers: Orphanet 66629, MedGen C1836123, MONDO:0012280, OMIM 609460.

Submission:

Neuberg Centre For Genomic Medicine, NCGM
Classification: Uncertain significance for Goldberg-Shprintzen syndrome. Review status: criteria provided, single submitter. Criteria: ACMG Guidelines, 2015. Collection method: clinical testing. Allele origin: germline. Inheritance: Autosomal recessive inheritance. Affected: yes.
Comment: The missense variant c.368G>A(p.Arg123Gln) in the KIFBP gene has not been reported previously as a pathogenic variant nor as a benign variant, to our knowledge. This variant is absent in the gnomAD Exomes. The amino acid Arginine at position 123 is changed to a Glutamine changing protein sequence and it might alter its composition and physico-chemical properties. The amino acid change p.Arg123Gln in KIFBP is predicted as conserved by GERP++ and PhyloP across 100 vertebrates. For these reasons, this variant has been classified as Uncertain Significance.